The following is an entry in ClinVar:

ClinVar aggregate classification (germline): Uncertain significance (1 of 4 stars; one submission).

Submission:

Labcorp Genetics (formerly Invitae), Labcorp
Classification: Uncertain significance. Last evaluated: 2026-01-05. Review status: criteria provided, single submitter. Criteria: Invitae Variant Classification Sherloc (09022015). Collection method: clinical testing. Allele origin: germline.
Comment: This variant, c.5213_5224del, results in the deletion of 4 amino acid(s) of the MYO7A protein (p.Ala1738_Lys1741del), but otherwise preserves the integrity of the reading frame. This variant is not present in population databases (gnomAD no frequency). This variant has not been reported in the literature in individuals affected with MYO7A-related conditions. ClinVar contains an entry for this variant (Variation ID: 2028281). Experimental studies and prediction algorithms are not available or were not evaluated, and the functional significance of this variant is currently unknown. In summary, the available evidence is currently insufficient to determine the role of this variant in disease. Therefore, it has been classified as a Variant of Uncertain Significance.

NM_000260.4(MYO7A):c.5213_5224del (p.Ala1738_Lys1741del)

Gene: MYO7A (myosin VIIA; plus strand). Cytogenetic location: 11q13.5.
Variant type: Deletion.
Coding change: c.5213_5224del on transcript NM_000260.4 (MANE Select); coding-DNA positions 5213 to 5224, 12 bases deleted (CCCGAGGCAAGG).
Protein change: p.Ala1738_Lys1741del.
Molecular consequence: inframe deletion.
Genome position (GRCh38, 1-based): chr11:77,203,104-77,203,115, CCCGAGGCAAGG deleted; deleting any 12 consecutive bases within chr11:77,203,099-77,203,115 gives the same sequence; the c. name uses the placement nearest the transcript's 3' end. VCF-style (leftmost placement, unchanged base first): chr11-77203098-CCAAGGCCCGAGG-C. GRCh37 (hg19) VCF-style: chr11-76914143-CCAAGGCCCGAGG-C.
Other names: c.5099_5110del, p.Ala1700_Lys1703del (NM_001127180.2); c.5066_5077del, p.Ala1689_Lys1692del (NM_001369365.1).
Identifiers: ClinVar variation 2028281 (VCV002028281.2), dbSNP rs2497663416, ClinGen allele CA2580084940.
Genomic context (GRCh38, chr11:77,203,098, plus strand): 5'-GACGGTCCCTGTGCTGCGGCAGGCCCCCACCCAAGCACACGCTGAGCCGTGTCATGGTGT[CCAAGGCCCGAGG>C]CAAGGACCGGCTGTGGAGCCACACGCGGGAACCGCTCAAGCAGGCGCTGCTCAAGAAGCT-3'